The following is an entry in ClinVar:

ClinVar aggregate classification (germline): Pathogenic (1 of 4 stars; one submission).

Conditions:
Hereditary cancer-predisposing syndrome. Also called: Neoplastic Syndromes, Hereditary; Tumor predisposition; Hereditary Cancer Syndrome; Hereditary neoplastic syndrome. Identifiers: Orphanet 140162, MedGen C0027672, MeSH D009386, MONDO:0015356.

Submission:

Color Diagnostics, LLC DBA Color Health
Classification: Pathogenic for Hereditary cancer-predisposing syndrome. Last evaluated: 2020-01-15. Review status: criteria provided, single submitter. Criteria: ACMG Guidelines, 2015. Collection method: clinical testing. Allele origin: germline.
Comment: This variant is located in the BRCA2 protein. Splice site prediction tools suggest that this variant may not impact RNA splicing. This variant has not been identified in the general population by the Genome Aggregation Database (gnomAD). Loss of BRCA2 function is a known mechanism of disease. Based on the available evidence, this variant is classified as Pathogenic.

NM_000059.4(BRCA2):c.1628_1655delinsTTATGTCCAAATTTAATTGATAATGTCCAAATTTAATTGATAATGGAAGTA (p.His543_Ser552delinsLeuMetSerLysPheAsnTer)

Gene: BRCA2 (BRCA2 DNA repair associated; plus strand). Cytogenetic location: 13q13.1.
Variant type: Indel.
Coding change: c.1628_1655delinsTTATGTCCAAATTTAATTGATAATGTCCAAATTTAATTGATAATGGAAGTA on transcript NM_000059.4 (MANE Select); coding-DNA positions 1628 to 1655, the reference bases replaced by an inserted sequence.
Protein change: p.His543_Ser552delinsLeuMetSerLysPheAsnTer.
Molecular consequence: nonsense.
Genome position (GRCh38, 1-based): chr13:32,333,106-32,333,133, 28 bases replaced. GRCh37 (hg19): chr13:32,907,243-32,907,270.
Identifiers: ClinVar variation 923396 (VCV000923396.3), dbSNP rs2072417939, ClinGen allele CA1139663112.